The following is an entry in ClinVar:

ClinVar aggregate classification (germline): Benign/Likely benign. Review status: criteria provided, multiple submitters, no conflicts (2 of 4 stars). 3 submissions from 3 submitters: Benign (1); Likely benign (2). Last evaluated 2024-12-27.

Conditions:
Hereditary nonpolyposis colorectal neoplasms. Identifiers: MedGen C0009405, MeSH D003123.
Hereditary cancer-predisposing syndrome. Also called: Neoplastic Syndromes, Hereditary; Tumor predisposition; Hereditary Cancer Syndrome; Hereditary neoplastic syndrome. Identifiers: Orphanet 140162, MedGen C0027672, MeSH D009386, MONDO:0015356.
Lynch syndrome 5 (LYNCH5). Also called: Colorectal cancer, hereditary nonpolyposis, type 5; Hereditary non-polyposis colorectal cancer, type 5. Identifiers: Orphanet 144, MedGen C1833477, MONDO:0013710, OMIM 614350. Disease mechanism: loss of function.

Allele frequency attached by ClinVar (database versions not stated): 1000 Genomes Project 30x 0.00016; 1000 Genomes Project 0.00020.
gnomAD v4.1: 1 of 1,614,196 alleles (0.000062%); highest among the groups gnomAD compares: African/African-American, 0.0013%; no homozygotes.

Submissions (3):

Myriad Genetics, Inc.
Classification: Benign for Lynch syndrome 5. Last evaluated: 2024-12-27. Review status: criteria provided, single submitter. Criteria: Myriad Autosomal Dominant, Autosomal Recessive and X-Linked Classification Criteria (2023). Collection method: clinical testing. Allele origin: unknown.
Comment: This variant is considered benign. This variant is a silent/synonymous amino acid change and it is not expected to impact splicing.

Labcorp Genetics (formerly Invitae), Labcorp
Classification: Likely benign for Hereditary nonpolyposis colorectal neoplasms. Last evaluated: 2022-08-08. Review status: criteria provided, single submitter. Criteria: Invitae Variant Classification Sherloc (09022015). Collection method: clinical testing. Allele origin: germline.

Ambry Genetics
Classification: Likely benign for Hereditary cancer-predisposing syndrome. Last evaluated: 2015-06-29. Review status: criteria provided, single submitter. Criteria: Ambry Variant Classification Scheme 2023. Collection method: clinical testing. Allele origin: germline.

NM_000179.3(MSH6):c.1830G>A (p.Lys610=)

Gene: MSH6 (mutS homolog 6; plus strand). Cytogenetic location: 2p16.3.
Variant type: single nucleotide variant.
Coding change: c.1830G>A on transcript NM_000179.3 (MANE Select); coding-DNA position 1830, G replaced by A.
Protein change: p.Lys610=; no amino-acid change (lysine 610 retained).
Molecular consequence: synonymous variant.
Genome position (GRCh38, 1-based): chr2:47,799,813, G>A. VCF-style: chr2-47799813-G-A. GRCh37 (hg19) VCF-style: chr2-48026952-G-A.
Other names: c.924G>A, p.Lys308= (NM_001281494.2, NM_001281493.2); c.1440G>A, p.Lys480= (NM_001281492.2).
Identifiers: ClinVar variation 232460 (VCV000232460.15), dbSNP rs201735525, ClinGen allele CA10578080.
Genomic context (GRCh38, chr2:47,799,813, plus strand): 5'-CCCAGTACAAGTTTTATTTGAAAAAGGAAATCTCTCAAAGGAAACTAAAACAATTCTAAA[G>A]AGTTCATTGTCCTGTTCTCTTCAGGAAGGTCTGATACCCGGCTCCCAGTTTTGGGATGCA-3'
Protein context (NP_000170.1, residues 600-620): NLSKETKTIL[Lys610=]SSLSCSLQEG